The following is an entry in ClinVar:

NM_001197287.2(OR11H2):c.675C>T (p.Val225=)

Gene: OR11H2 (olfactory receptor family 11 subfamily H member 2; minus strand). Cytogenetic location: 14q11.2.
Variant type: single nucleotide variant.
Coding change: c.675C>T on transcript NM_001197287.2 (MANE Select); coding-DNA position 675, C replaced by T.
Protein change: p.Val225=; no amino-acid change (valine 225 retained).
Molecular consequence: synonymous variant.
Genome position (GRCh38, 1-based): chr14:19,713,209, G>A on the plus strand (C>T on the coding strand, the complement: OR11H2 is on the minus strand). VCF-style: chr14-19713209-G-A. GRCh37 (hg19) VCF-style: chr14-20181368-G-A.
Identifiers: ClinVar variation 2644033 (VCV002644033.24), dbSNP rs769952148, ClinGen allele CA7072363.

ClinVar aggregate classification (germline): Likely benign (1 of 4 stars; one submission).

Allele frequency attached by ClinVar (database versions not stated): gnomAD 0.00001; ExAC 0.00002.

Submission:

CeGaT Center for Human Genetics Tuebingen
Classification: Likely benign. Last evaluated: 2022-10-01. Review status: criteria provided, single submitter. Criteria: CeGaT Center For Human Genetics Tuebingen Variant Classification Criteria Version 2. Collection method: clinical testing. Allele origin: germline. Affected: yes. Observed: 1 variant allele.
Comment: OR11H2: BP4, BP7